The following is an entry in ClinVar:

NM_001267550.2(TTN):c.101789del (p.Leu33930fs)

Genes: TTN-AS1 (TTN antisense RNA 1; plus strand), TTN (titin; minus strand). Cytogenetic location: 2q31.2.
Variant type: Deletion.
Coding change: c.101789del on transcript NM_001267550.2 (MANE Select); coding-DNA position 101789, one base deleted (T; older notation c.101789delT).
Protein change: p.Leu33930fs; shifts the reading frame from leucine 33930.
Molecular consequence: frameshift variant.
Genome position (GRCh38, 1-based): chr2:178,534,826, A deleted on the plus strand (T on the coding strand, the reverse complement: TTN is on the minus strand); the first of 5 consecutive A bases (chr2:178,534,826-178,534,830); deleting any one gives the same sequence. VCF-style (leftmost placement, unchanged base first): chr2-178534825-TA-T. GRCh37 (hg19) VCF-style: chr2-179399552-TA-T.
Other names: c.96866del, p.Leu32289fs (NM_001256850.1); c.74594del, p.Leu24865fs (NM_003319.4); c.94085del, p.Leu31362fs (NM_133378.4); c.74969del, p.Leu24990fs (NM_133432.3); c.75170del, p.Leu25057fs (NM_133437.4); c.74594delT (NM_003319.4); short protein forms L24865fs, L32289fs, L33930fs, L25057fs, L31362fs, L24990fs.
Identifiers: ClinVar variation 813965 (VCV000813965.31), dbSNP rs1575285509, ClinGen allele CA658820668.

ClinVar aggregate classification (germline): Pathogenic/Likely pathogenic. Review status: criteria provided, multiple submitters, no conflicts (2 of 4 stars). 4 submissions from 4 submitters: Pathogenic (1); Likely pathogenic (3). Last evaluated 2023-12-06.

Conditions:
Cardiovascular phenotype. Identifiers: MedGen CN230736.
Autosomal recessive limb-girdle muscular dystrophy type 2J (LGMDR10). Also called: Limb-girdle muscular dystrophy, type 2J; MUSCULAR DYSTROPHY, LIMB-GIRDLE, AUTOSOMAL RECESSIVE 10. Identifiers: Orphanet 140922, MedGen C1837342, MONDO:0012127, OMIM 608807.
Dilated cardiomyopathy 1G (CMD1G). Identifiers: Orphanet 154, MedGen C1858763, MONDO:0011400, OMIM 604145.
Primary dilated cardiomyopathy (DCM). Also called: Dilated Cardiomyopathy. Identifiers: Orphanet 217604, MedGen C0007193, MeSH D002311, MONDO:0005021, HP:0001644. Inheritance: Various modes of inheritance.

Submissions (4):

Labcorp Genetics (formerly Invitae), Labcorp
Classification: Likely pathogenic for Dilated cardiomyopathy 1G; Autosomal recessive limb-girdle muscular dystrophy type 2J. Last evaluated: 2023-12-06. Review status: criteria provided, single submitter. Criteria: Invitae Variant Classification Sherloc (09022015). Collection method: clinical testing. Allele origin: germline.
Comment: This sequence change creates a premature translational stop signal (p.Leu33930Tyrfs*29) in the TTN gene. While this is not anticipated to result in nonsense mediated decay, it is expected to create a truncated TTN protein. This variant is not present in population databases (gnomAD no frequency). This variant has not been reported in the literature in individuals affected with TTN-related conditions. ClinVar contains an entry for this variant (Variation ID: 813965). This variant is located in the M band of TTN (PMID: 25589632). Truncating variants in this region have been previously reported in individuals affected with autosomal recessive myopathy and muscular dystrophy (PMID: 18948003, 23975875, 24395473). Truncating variants in this region have also been identified in individuals affected with autosomal dominant dilated cardiomyopathy and/or cardio-related conditions (PMID: 27869827, 32964742). In summary, the currently available evidence indicates that the variant is pathogenic, but additional data are needed to prove that conclusively. Therefore, this variant has been classified as Likely Pathogenic.

Ambry Genetics
Classification: Likely pathogenic for Cardiovascular phenotype. Last evaluated: 2023-08-28. Review status: criteria provided, single submitter. Criteria: Ambry Variant Classification Scheme 2023. Collection method: clinical testing. Allele origin: germline.
Comment: The c.74594delT variant, located in coding exon 185 of the TTN gene, results from a deletion of one nucleotide at nucleotide position 74594, causing a translational frameshift with a predicted alternate stop codon (p.L24865Yfs*29). This exon is located in the M-band region of the N2-B isoform of the titin protein and is constitutively expressed in TTN transcripts (percent spliced in or PSI 100%). This variant is considered to be rare based on population cohorts in the Genome Aggregation Database (gnomAD). This alteration is expected to result in loss of function by premature protein truncation or nonsense-mediated mRNA decay. While truncating variants in TTN are present in 1-3% of the general population, truncating variants in the M-band have been reported in association with autosomal recessive titinopathies, primarily presenting with skeletal myopathy phenotypes (Ceyhan-Birsoy O et al. Neurology. 2013 Oct 1;81(14):1205-14; De Cid R et al. Neurology. 2015;85(24):2126-35). In addition, regardless of their position, TTN truncating variants encoded in constitutive exons (PSI >90%) have been found to be significantly associated with dilated cardiomyopathy (DCM), though truncating variants in the A-band are the most common cause of DCM (Herman DS et al. N. Engl. J. Med., 2012 Feb;366:619-28; Roberts AM et al. Sci Transl Med, 2015 Jan;7:270ra6; Schafer S et al. Nat. Genet., 2017 01;49:46-53). Based on the majority of available evidence to date, this variant is likely to be pathogenic in association with autosomal recessive titinopathy; however, the clinical significance of this alteration with respect to cardiomyopathy remains unclear.

Center for Human Genetics, University of Leuven
Classification: Likely pathogenic for Primary dilated cardiomyopathy. Last evaluated: 2022-12-31. Review status: criteria provided, single submitter. Criteria: ACMG Guidelines, 2015. Collection method: clinical testing. Allele origin: germline. Affected: yes.

Broad Center for Mendelian Genomics, Broad Institute of MIT and Harvard
Classification: Pathogenic for Autosomal recessive limb-girdle muscular dystrophy type 2J. Last evaluated: 2018-12-03. Review status: criteria provided, single submitter. Criteria: ACMG Guidelines, 2015. Collection method: research. Allele origin: germline. Inheritance: Autosomal recessive inheritance. Affected: yes.
Comment: The presence of this variant in combination with a pathogenic variant and in an individual with LGMD increases the likelihood that the p.Leu33930TyrfsTer29 variant is pathogenic. This variant was absent from large population studies. This variant is predicted to cause a frameshift, which alters the protein's amino acid sequence beginning at position 33930 and leads to a premature termination codon 29 amino acids downstream. This alteration is then predicted to lead to a truncated or absent protein. Loss of function of the TTN gene is an established disease mechanism in autosomal recessive LGMD. In summary, this variant meets criteria to be classified as pathogenic for LGMD in an autosomal recessive manner based on the predicted impact of the variant and the presence of another pathogenic variant in an individual with LGMD. ACMG/AMP Criteria applied: PM2, PM3, PVS1 (Richards 2015).

Literature cited by the submitters: PubMed 25589632 (cited by Labcorp Genetics (formerly Invitae), Labcorp); PubMed 18948003 (cited by Labcorp Genetics (formerly Invitae), Labcorp); PubMed 23975875 (cited by Labcorp Genetics (formerly Invitae), Labcorp); PubMed 24395473 (cited by Labcorp Genetics (formerly Invitae), Labcorp); PubMed 27869827 (cited by Labcorp Genetics (formerly Invitae), Labcorp); PubMed 32964742 (cited by Labcorp Genetics (formerly Invitae), Labcorp).